The following is an entry in ClinVar:

NM_001003787.4(STRADA):c.254_255del (p.Val85fs)

Gene: STRADA (STE20 related adaptor alpha; minus strand). Cytogenetic location: 17q23.3.
Variant type: Microsatellite.
Coding change: c.254_255del on transcript NM_001003787.4 (MANE Select); coding-DNA positions 254 to 255, 2 bases deleted (TG; older notation c.254_255delTG).
Protein change: p.Val85fs; shifts the reading frame from valine 85.
Molecular consequence: frameshift variant. On other transcripts: non-coding transcript variant (1).
Genome position (GRCh38, 1-based): chr17:63,713,499-63,713,500, CA deleted on the plus strand (TG on the coding strand, the reverse complement: STRADA is on the minus strand); deleting any 2 consecutive bases within chr17:63,713,499-63,713,502 gives the same sequence; the c. name uses the placement nearest the transcript's 3' end. VCF-style (leftmost placement, unchanged base first): chr17-63713498-TCA-T. GRCh37 (hg19) VCF-style: chr17-61790858-TCA-T.
Other names: c.143_144del, p.Val48fs (NM_001003786.3, NM_001363789.1, NM_153335.6); c.80_81del, p.Val27fs (NM_001003788.3, NM_001363790.1, NM_001363791.1); c.167_168del, p.Val56fs (NM_001165969.2, NM_001363787.1); c.122_123del, p.Val41fs (NM_001165970.2); c.230_231del, p.Val77fs (NM_001363786.1); c.254_255del, p.Val85fs (NM_001363788.1); short protein forms V27fs, V41fs, V56fs, V85fs, V48fs, V77fs.
Identifiers: ClinVar variation 856509 (VCV000856509.5), dbSNP rs767297496, ClinGen allele CA8703446.

ClinVar aggregate classification (germline): Pathogenic (1 of 4 stars; one submission).

Conditions:
Polyhydramnios, megalencephaly, and symptomatic epilepsy (PMSE). Also called: PMSE SYNDROME. Identifiers: Orphanet 500533, MedGen C1970203, MONDO:0012611, OMIM 611087.

Submission:

Labcorp Genetics (formerly Invitae), Labcorp
Classification: Pathogenic for Polyhydramnios, megalencephaly, and symptomatic epilepsy. Last evaluated: 2024-09-19. Review status: criteria provided, single submitter. Criteria: Invitae Variant Classification Sherloc (09022015). Collection method: clinical testing. Allele origin: germline.
Comment: This sequence change creates a premature translational stop signal (p.Val85Glufs*18) in the STRADA gene. It is expected to result in an absent or disrupted protein product. Loss-of-function variants in STRADA are known to be pathogenic (PMID: 17522105, 27170158). This variant is present in population databases (rs767297496, gnomAD 0.003%). This variant has not been reported in the literature in individuals affected with STRADA-related conditions. ClinVar contains an entry for this variant (Variation ID: 856509). For these reasons, this variant has been classified as Pathogenic.

Literature cited by the submitters: PubMed 17522105; PubMed 27170158.